The following is an entry in ClinVar:

NM_024665.7(TBL1XR1):c.561-8T>C

Gene: TBL1XR1 (TBL1X/Y related 1; minus strand). Cytogenetic location: 3q26.32.
Variant type: single nucleotide variant.
Coding change: c.561-8T>C on transcript NM_024665.7 (MANE Select); 8 bases into the intron before coding-DNA position 561, T replaced by C.
Molecular consequence: intron variant.
Genome position (GRCh38, 1-based): chr3:177,050,146, A>G on the plus strand (T>C on the coding strand, the complement: TBL1XR1 is on the minus strand). VCF-style: chr3-177050146-A-G. GRCh37 (hg19) VCF-style: chr3-176767934-A-G.
Other names: c.561-8T>C (NM_001374327.1, NM_001321194.3, NM_001321193.3 and 2 more transcripts); c.300-8T>C (NM_001374330.1, NM_001321195.3).
Identifiers: ClinVar variation 3052521 (VCV003052521.3), dbSNP rs2473720853, ClinGen allele CA2740091056.
Genomic context (GRCh38, chr3:177,050,146, plus strand): 5'-CACTGGTGCTGTTCTCACTAAGATTCCATATTCTTGCTGTTGAGTCTCCAGACCTATAAA[A>G]GTATGCAATATATTTTAGATCCTCATGACATTCTCACGTATCAGAACAAGGCAACATATT-3'

ClinVar aggregate classification (germline): Likely benign. Review status: criteria provided, single submitter (1 of 4 stars). 2 submissions from 2 submitters: Likely benign (1). 1 of the submissions does not count toward it. Last evaluated 2025-05-05.

Conditions:
TBL1XR1-related disorder. Also called: TBL1XR1-related condition; TBL1XR1-related disorders. Identifiers: MedGen CN382633, MONDO:1060313.

Submissions (2):

Women's Health and Genetics/Laboratory Corporation of America, LabCorp
Classification: Likely benign. Last evaluated: 2025-05-05. Review status: criteria provided, single submitter. Criteria: LabCorp Variant Classification Summary - May 2015. Collection method: clinical testing. Allele origin: germline.

PreventionGenetics, part of Exact Sciences
Classification: Likely benign for TBL1XR1-related condition. Last evaluated: 2023-02-28. Review status: no assertion criteria provided. Collection method: clinical testing. Allele origin: germline. Not counted in ClinVar's aggregate classification.
Comment: This variant is classified as likely benign based on ACMG/AMP sequence variant interpretation guidelines (Richards et al. 2015 PMID: 25741868, with internal and published modifications).